The following is an entry in ClinVar:

NM_015909.4(NBAS):c.1223G>A (p.Gly408Asp)

Gene: NBAS (NBAS subunit of NRZ tethering complex; minus strand). Cytogenetic location: 2p24.3.
Variant type: single nucleotide variant.
Coding change: c.1223G>A on transcript NM_015909.4 (MANE Select); coding-DNA position 1223, G replaced by A.
Protein change: p.Gly408Asp; replaces glycine 408 with aspartic acid.
Molecular consequence: missense variant. On other transcripts: non-coding transcript variant (1).
Genome position (GRCh38, 1-based): chr2:15,475,805, C>T on the plus strand (G>A on the coding strand, the complement: NBAS is on the minus strand). VCF-style: chr2-15475805-C-T. GRCh37 (hg19) VCF-style: chr2-15615929-C-T.
Other names: short protein forms G408D.
Identifiers: ClinVar variation 1994519 (VCV001994519.4), dbSNP rs1275850716, ClinGen allele CA345891087.

ClinVar aggregate classification (germline): Uncertain significance (1 of 4 stars; one submission).

Submission:

Labcorp Genetics (formerly Invitae), Labcorp
Classification: Uncertain significance. Last evaluated: 2022-05-15. Review status: criteria provided, single submitter. Criteria: Invitae Variant Classification Sherloc (09022015). Collection method: clinical testing. Allele origin: germline.
Comment: This sequence change replaces glycine, which is neutral and non-polar, with aspartic acid, which is acidic and polar, at codon 408 of the NBAS protein (p.Gly408Asp). This variant is not present in population databases (gnomAD no frequency). This variant has not been reported in the literature in individuals affected with NBAS-related conditions. Algorithms developed to predict the effect of missense changes on protein structure and function (SIFT, PolyPhen-2, Align-GVGD) all suggest that this variant is likely to be disruptive. In summary, the available evidence is currently insufficient to determine the role of this variant in disease. Therefore, it has been classified as a Variant of Uncertain Significance.